The following is an entry in ClinVar:

NM_022765.4(MICAL1):c.1270G>A (p.Ala424Thr)

Gene: MICAL1 (microtubule associated monooxygenase, calponin and LIM domain containing 1; minus strand). Cytogenetic location: 6q21.
Variant type: single nucleotide variant.
Coding change: c.1270G>A on transcript NM_022765.4 (MANE Select); coding-DNA position 1270, G replaced by A.
Protein change: p.Ala424Thr; replaces alanine 424 with threonine.
Molecular consequence: missense variant.
Genome position (GRCh38, 1-based): chr6:109,450,007, C>T on the plus strand (G>A on the coding strand, the complement: MICAL1 is on the minus strand). VCF-style: chr6-109450007-C-T. GRCh37 (hg19) VCF-style: chr6-109771210-C-T.
Other names: c.1012G>A, p.Ala338Thr (NM_001159291.2); c.1327G>A, p.Ala443Thr (NM_001286613.2); short protein forms A443T, A424T, A338T.
Identifiers: ClinVar variation 3699672 (VCV003699672.2).

ClinVar aggregate classification (germline): Uncertain significance (1 of 4 stars; one submission).

gnomAD v4.1: 7 of 1,614,086 alleles (0.00043%); highest among the groups gnomAD compares: South Asian, 0.0066%; no homozygotes.

Submission:

Labcorp Genetics (formerly Invitae), Labcorp
Classification: Uncertain significance. Last evaluated: 2024-03-02. Review status: criteria provided, single submitter. Criteria: Invitae Variant Classification Sherloc (09022015). Collection method: clinical testing. Allele origin: germline.
Comment: This sequence change replaces alanine, which is neutral and non-polar, with threonine, which is neutral and polar, at codon 443 of the MICAL1 protein (p.Ala443Thr). This variant is present in population databases (no rsID available, gnomAD 0.006%). This variant has not been reported in the literature in individuals affected with MICAL1-related conditions. An algorithm developed to predict the effect of missense changes on protein structure and function (PolyPhen-2) suggests that this variant is likely to be disruptive. In summary, the available evidence is currently insufficient to determine the role of this variant in disease. Therefore, it has been classified as a Variant of Uncertain Significance.